The following is an entry in ClinVar:

NM_030787.4(CFHR5):c.242C>T (p.Pro81Leu)

Gene: CFHR5 (complement factor H related 5; plus strand). Cytogenetic location: 1q31.3.
Variant type: single nucleotide variant.
Coding change: c.242C>T on transcript NM_030787.4 (MANE Select); coding-DNA position 242, C replaced by T.
Protein change: p.Pro81Leu; replaces proline 81 with leucine.
Molecular consequence: missense variant.
Genome position (GRCh38, 1-based): chr1:196,983,068, C>T. VCF-style: chr1-196983068-C-T. GRCh37 (hg19) VCF-style: chr1-196952198-C-T.
Other names: p.Pro81Leu; short protein forms P81L.
Identifiers: ClinVar variation 1331463 (VCV001331463.13), dbSNP rs544857720, ClinGen allele CA1307660.

ClinVar aggregate classification (germline): Conflicting classifications of pathogenicity. Review status: criteria provided, conflicting classifications (1 of 4 stars). 4 submissions from 4 submitters: Uncertain significance (2); Likely benign (2). Last evaluated 2025-05-03.

Conditions:
Inborn genetic diseases. Identifiers: MedGen C0950123, MeSH D030342.

Allele frequency attached by ClinVar (database versions not stated): gnomAD exomes 0.00004 and 0.00014; gnomAD 0.00006 and 0.00008; ExAC 0.00011; TOPMed 0.00012; 1000 Genomes Project 30x 0.00016; 1000 Genomes Project 0.00020.
gnomAD v4.1: 81 of 1,613,930 alleles (0.005%); highest among the groups gnomAD compares: East Asian, 0.11%; no homozygotes.

Submissions (4):

Labcorp Genetics (formerly Invitae), Labcorp
Classification: Likely benign. Last evaluated: 2025-05-03. Review status: criteria provided, single submitter. Criteria: Invitae Variant Classification Sherloc (09022015). Collection method: clinical testing. Allele origin: germline.

Ambry Genetics
Classification: Likely benign for Inborn genetic diseases. Last evaluated: 2024-10-28. Review status: criteria provided, single submitter. Criteria: Ambry Variant Classification Scheme 2023. Collection method: clinical testing. Allele origin: germline.

Women's Health and Genetics/Laboratory Corporation of America, LabCorp
Classification: Uncertain significance. Last evaluated: 2021-12-20. Review status: criteria provided, single submitter. Criteria: LabCorp Variant Classification Summary - May 2015. Collection method: clinical testing. Allele origin: germline.
Comment: Variant summary: CFHR5 c.242C>T (p.Pro81Leu) results in a non-conservative amino acid change located in the Sushi/SCR/CCP domain (IPR000436) of the encoded protein sequence. Four of five in-silico tools predict a benign effect of the variant on protein function. The variant allele was found at a frequency of 0.00014 in 251406 control chromosomes, predominantly at a frequency of 0.0016 within the East Asian subpopulation in the gnomAD database. The observed variant frequency within East Asian control individuals in the gnomAD database is approximately 10-fold of the estimated maximal expected allele frequency for a pathogenic variant in CFHR5 causing Genetic Atypical Hemolytic Uremic Syndrome phenotype (0.00016), strongly suggesting that the variant is a benign polymorphism found primarily in populations of East Asian origin. c.242C>T has been reported in the literature in East Asian individuals affected with Genetic Atypical Hemolytic Uremic Syndrome (Lee_2015, Zhang_2016), including one individual who had inherited the variant from their healthy father (Yi_2017). Furthermore, the variant has been reported as heterozygous occurrence in one C3 glomerulonephritis patient (Zhao_2018) and in a patient with immune dysregulation and combined T and B cell functional defects who was homozygous for a mutation in the IKBKB gene (Qin_2021). These reports do not provide unequivocal conclusions about association of the variant with Genetic Atypical Hemolytic Uremic Syndrome or CFHR5 Deficiency. To our knowledge, no experimental evidence demonstrating an impact on protein function has been reported. No clinical diagnostic laboratories have submitted clinical-significance assessments for this variant to ClinVar after 2014. Based on the evidence outlined above, the variant was classified as uncertain significance until additional data of clinical and/or functional importance become available.

Mayo Clinic Laboratories, Mayo Clinic
Classification: Uncertain significance. Last evaluated: 2021-08-10. Review status: criteria provided, single submitter. Criteria: ACMG Guidelines, 2015. Collection method: clinical testing. Allele origin: germline.

Literature cited by the submitters: PubMed 25443527 (cited by Women's Health and Genetics/Laboratory Corporation of America, LabCorp); PubMed 33658989 (cited by Women's Health and Genetics/Laboratory Corporation of America, LabCorp); PubMed 28822440 (cited by Women's Health and Genetics/Laboratory Corporation of America, LabCorp); PubMed 27064621 (cited by Women's Health and Genetics/Laboratory Corporation of America, LabCorp); PubMed 29566171 (cited by Women's Health and Genetics/Laboratory Corporation of America, LabCorp).